The following is an entry in ClinVar:

NM_001258392.3(CLPB):c.908A>G (p.Glu303Gly)

Gene: CLPB (ClpB family mitochondrial disaggregase; minus strand). Cytogenetic location: 11q13.4.
Variant type: single nucleotide variant.
Coding change: c.908A>G on transcript NM_001258392.3 (MANE Select); coding-DNA position 908, A replaced by G.
Protein change: p.Glu303Gly; replaces glutamic acid 303 with glycine.
Molecular consequence: missense variant.
Genome position (GRCh38, 1-based): chr11:72,317,186, T>C on the plus strand (A>G on the coding strand, the complement: CLPB is on the minus strand). VCF-style: chr11-72317186-T-C. GRCh37 (hg19) VCF-style: chr11-72028230-T-C.
Other names: c.998A>G (NM_030813.3); c.821A>G, p.Glu274Gly (NM_001258393.3); c.863A>G, p.Glu288Gly (NM_001258394.3); c.998A>G, p.Glu333Gly (NM_030813.6); short protein forms E333G, E303G, E274G, E288G.
Identifiers: ClinVar variation 576056 (VCV000576056.8), dbSNP rs144712077, ClinGen allele CA6171334.

ClinVar aggregate classification (germline): Conflicting classifications of pathogenicity. Review status: criteria provided, conflicting classifications (1 of 4 stars). 3 submissions from 3 submitters: Uncertain significance (2); Likely benign (1). Last evaluated 2025-09-04.

Conditions:
Inborn genetic diseases. Identifiers: MedGen C0950123, MeSH D030342.
3-methylglutaconic aciduria, type VIIB (MGCA7B). Also called: CLPB Deficiency; 3-methylglutaconic aciduria, type VII, with cataracts, neurologic involvement and neutropenia; 3-methylglutaconic aciduria with cataracts, neurologic involvement and neutropenia. Identifiers: Orphanet 445038, MedGen C5676893, MONDO:0014561, OMIM 616271.

Allele frequency attached by ClinVar (database versions not stated): ESP Exome Variant Server 0.00008; TOPMed 0.00035.
gnomAD v4.1: 96 of 1,612,086 alleles (0.006%); highest among the groups gnomAD compares: African/African-American, 0.11%; no homozygotes.

Submissions (3):

Labcorp Genetics (formerly Invitae), Labcorp
Classification: Likely benign for 3-methylglutaconic aciduria, type VIIB. Last evaluated: 2025-09-04. Review status: criteria provided, single submitter. Criteria: Invitae Variant Classification Sherloc (09022015). Collection method: clinical testing. Allele origin: germline.

Ambry Genetics
Classification: Uncertain significance for Inborn genetic diseases. Last evaluated: 2023-12-14. Review status: criteria provided, single submitter. Criteria: Ambry Variant Classification Scheme 2023. Collection method: clinical testing. Allele origin: germline.

Baylor Genetics
Classification: Uncertain significance for 3-methylglutaconic aciduria, type VIIB. Last evaluated: 2018-11-02. Review status: criteria provided, single submitter. Criteria: ACMG Guidelines, 2015. Collection method: clinical testing. Allele origin: maternal. Affected: yes.
Comment: This variant was determined to be of uncertain significance according to ACMG Guidelines, 2015 [PMID:25741868].